The following is an entry in ClinVar:

NM_014714.4(IFT140):c.3383G>A (p.Arg1128His)

Gene: IFT140 (intraflagellar transport 140; minus strand). Cytogenetic location: 16p13.3.
Variant type: single nucleotide variant.
Coding change: c.3383G>A on transcript NM_014714.4 (MANE Select); coding-DNA position 3383, G replaced by A.
Protein change: p.Arg1128His; replaces arginine 1128 with histidine.
Molecular consequence: missense variant.
Genome position (GRCh38, 1-based): chr16:1,523,588, C>T on the plus strand (G>A on the coding strand, the complement: IFT140 is on the minus strand). VCF-style: chr16-1523588-C-T. GRCh37 (hg19) VCF-style: chr16-1573589-C-T.
Other names: short protein forms R1128H.
Identifiers: ClinVar variation 934113 (VCV000934113.9), dbSNP rs147661907, ClinGen allele CA7813192.
Genomic context (GRCh38, chr16:1,523,588, plus strand): 5'-GCCAGCAGCAGCTCTACCGCCCTCTCGTACTGACTGTGCTCGATGAAGAAGTCGGAGCAG[C>T]GGGCCAGGAGCGCAGGGTCTGACGTCTCATCCAGGTCCTCTGCTATGAGCTGTAGGGCCA-3'
Protein context (NP_055529.2, residues 1118-1138): DETSDPALLA[Arg1128His]CSDFFIEHSQ

ClinVar aggregate classification (germline): Uncertain significance. Review status: criteria provided, multiple submitters, no conflicts (2 of 4 stars). 4 submissions from 4 submitters: Uncertain significance (4). Last evaluated 2026-08-03.

Conditions:
Saldino-Mainzer syndrome (SRTD9). Also called: SHORT-RIB THORACIC DYSPLASIA 9 WITHOUT POLYDACTYLY; CONORENAL SYNDROME; Renal dysplasia, retinal pigmentary dystrophy, cerebellar ataxia and skeletal dysplasia; short-rib thoracic dysplasia 9 with or without polydactyly. Identifiers: Orphanet 140969, MedGen C1849437, MONDO:0009964, OMIM 266920.
IFT140-related disorder. Also called: IFT140-related condition.
Retinitis pigmentosa 80 (RP80). Identifiers: MedGen C4540439, MONDO:0054708, OMIM 617781.
Inborn genetic diseases. Identifiers: MedGen C0950123, MeSH D030342.

Allele frequency attached by ClinVar (database versions not stated): gnomAD exomes 0.00002; ExAC 0.00004; TOPMed 0.00008; gnomAD 0.00010 and 0.00011; ESP Exome Variant Server 0.00023.
gnomAD v4.1: 42 of 1,613,656 alleles (0.0026%); highest among the groups gnomAD compares: African/African-American, 0.024%; no homozygotes.

Submissions (4):

PreventionGenetics, part of Exact Sciences
Classification: Uncertain significance for IFT140-related condition. Last evaluated: 2026-08-03. Review status: criteria provided, single submitter. Criteria: ACMG Guidelines, 2015. Collection method: clinical testing. Allele origin: germline.
Comment: The IFT140 c.3383G>A variant is predicted to result in the amino acid substitution p.Arg1128His. To our knowledge, this variant has not been reported in the literature. This variant is reported in 0.024% of alleles in individuals of African descent in gnomAD. At this time, the clinical significance of this variant is uncertain due to the absence of conclusive functional and genetic evidence.

Labcorp Genetics (formerly Invitae), Labcorp
Classification: Uncertain significance for Saldino-Mainzer syndrome. Last evaluated: 2025-06-12. Review status: criteria provided, single submitter. Criteria: Invitae Variant Classification Sherloc (09022015). Collection method: clinical testing. Allele origin: germline.
Comment: This sequence change replaces arginine, which is basic and polar, with histidine, which is basic and polar, at codon 1128 of the IFT140 protein (p.Arg1128His). This variant is present in population databases (rs147661907, gnomAD 0.03%). This variant has not been reported in the literature in individuals affected with IFT140-related conditions. ClinVar contains an entry for this variant (Variation ID: 934113). Invitae Evidence Modeling of protein sequence and biophysical properties (such as structural, functional, and spatial information, amino acid conservation, physicochemical variation, residue mobility, and thermodynamic stability) has been performed for this missense variant. However, the output from this modeling did not meet the statistical confidence thresholds required to predict the impact of this variant on IFT140 protein function. In summary, the available evidence is currently insufficient to determine the role of this variant in disease. Therefore, it has been classified as a Variant of Uncertain Significance.

Ambry Genetics
Classification: Uncertain significance for Inborn genetic diseases. Last evaluated: 2025-05-13. Review status: criteria provided, single submitter. Criteria: Ambry Variant Classification Scheme 2023. Collection method: clinical testing. Allele origin: germline.

Fulgent Genetics
Classification: Uncertain significance for Saldino-Mainzer syndrome; Retinitis pigmentosa 80. Last evaluated: 2021-07-06. Review status: criteria provided, single submitter. Criteria: ACMG Guidelines, 2015. Collection method: clinical testing. Allele origin: unknown.